The following is an entry in ClinVar:

NM_000384.3(APOB):c.8198T>C (p.Val2733Ala)

Gene: APOB (apolipoprotein B; minus strand). Cytogenetic location: 2p24.1.
Variant type: single nucleotide variant.
Coding change: c.8198T>C on transcript NM_000384.3 (MANE Select); coding-DNA position 8198, T replaced by C.
Protein change: p.Val2733Ala; replaces valine 2733 with alanine.
Molecular consequence: missense variant.
Genome position (GRCh38, 1-based): chr2:21,008,670, A>G on the plus strand (T>C on the coding strand, the complement: APOB is on the minus strand). VCF-style: chr2-21008670-A-G. GRCh37 (hg19) VCF-style: chr2-21231542-A-G.
Other names: p.Val2733Ala; short protein forms V2733A.
Identifiers: ClinVar variation 922594 (VCV000922594.19), dbSNP rs771792572, ClinGen allele CA065373.
Genomic context (GRCh38, chr2:21,008,670, plus strand): 5'-GGTACTTCAATTGTGTGTGAGATGTGGGGAAGCTGGAATTCTGGTATGTGAAGGTCAGGA[A>G]CTTGAAAATCATTAAGGTTGAGAGTTGGGATTATGAATTCTGGAATTGCGATTTCTGGTA-3'
Protein context (NP_000375.3, residues 2723-2743): IPTLNLNDFQ[Val2733Ala]PDLHIPEFQL

ClinVar aggregate classification (germline): Conflicting classifications of pathogenicity. Review status: criteria provided, conflicting classifications (1 of 4 stars). 8 submissions from 8 submitters: Uncertain significance (7); Likely benign (1). Last evaluated 2025-07-09.

Conditions:
Cardiovascular phenotype. Identifiers: MedGen CN230736.
Hypercholesterolemia, autosomal dominant, type B (FHCL2). Also called: APOLIPOPROTEIN B-100, FAMILIAL DEFECTIVE; APOLIPOPROTEIN B-100, FAMILIAL LIGAND-DEFECTIVE; HYPERCHOLESTEROLEMIA, FAMILIAL, DUE TO LIGAND-DEFECTIVE APOLIPOPROTEIN B; APOB-Related Familial Hypercholesterolemia, Autosomal Dominant; Familial Hypercholesterolemia Type B; Hyperlipoproteinemia Type IIb. Identifiers: MedGen C1704417, MONDO:0007751, OMIM 144010.
Familial hypobetalipoproteinemia 1. Also called: APOB-Related Familial Hypobetalipoproteinemia; Hypobetalipoproteinemia, normotriglyceridemic; Acanthocytosis with hypobetalipoproteinemia. Identifiers: MedGen C4551990, MONDO:0014252, OMIM 615558.

Allele frequency attached by ClinVar (database versions not stated): TOPMed 0.00003; gnomAD 0.00006 and 0.00007; ExAC 0.00009; gnomAD exomes 0.00005.
gnomAD v4.1: 88 of 1,614,020 alleles (0.0055%); highest among the groups gnomAD compares: Non-Finnish European, 0.007%; no homozygotes.

Submissions (8):

Mayo Clinic Laboratories, Mayo Clinic
Classification: Uncertain significance. Last evaluated: 2025-07-09. Review status: criteria provided, single submitter. Criteria: ACMG Guidelines, 2015. Collection method: clinical testing. Allele origin: germline. Observed: 1 variant allele.
Comment: BP4_moderate

Quest Diagnostics Nichols Institute San Juan Capistrano
Classification: Uncertain significance. Last evaluated: 2025-04-07. Review status: criteria provided, single submitter. Criteria: Quest Diagnostics criteria. Collection method: clinical testing. Allele origin: unknown.
Comment: The APOB c.8198T>C (p.Val2733Ala) variant has been reported in the published literature in an individual with severe hypercholesterolemia (PMID: 37848354 (2023)) and in a cohort of pediatric individuals with suspected genetic disorders, mostly an inborn error of metabolism (PMID: 34495415 (2022)). The frequency of this variant in the general population (Genome Aggregation Database) is uninformative in the assessment of its pathogenicity. Analysis of this variant using bioinformatics tools for the prediction of the effect of amino acid changes on protein structure and function yielded predictions that this variant is benign. Based on the available information, we are unable to determine the clinical significance of this variant.

Labcorp Genetics (formerly Invitae), Labcorp
Classification: Likely benign for Familial hypobetalipoproteinemia 1; Hypercholesterolemia, autosomal dominant, type B. Last evaluated: 2025-03-23. Review status: criteria provided, single submitter. Criteria: Invitae Variant Classification Sherloc (09022015). Collection method: clinical testing. Allele origin: germline.

GeneDx
Classification: Uncertain significance. Last evaluated: 2023-09-15. Review status: criteria provided, single submitter. Criteria: GeneDx Variant Classification Process June 2021. Collection method: clinical testing. Allele origin: germline. Affected: yes.
Comment: Has not been previously published as pathogenic or benign to our knowledge; In silico analysis supports that this missense variant does not alter protein structure/function

Blueprint Genetics
Classification: Uncertain significance. Last evaluated: 2023-03-22. Review status: criteria provided, single submitter. Criteria: ACMG Guidelines, 2015. Collection method: clinical testing. Allele origin: germline.

MGZ Medical Genetics Center
Classification: Uncertain significance for Hypercholesterolemia, autosomal dominant, type B. Last evaluated: 2022-07-12. Review status: criteria provided, single submitter. Criteria: ACMG Guidelines, 2015. Collection method: clinical testing. Allele origin: germline. Affected: yes. Observed: 1 variant allele.
Comment: ACMG criteria applied: PM2_SUP

Ambry Genetics
Classification: Uncertain significance for Cardiovascular phenotype. Last evaluated: 2022-01-10. Review status: criteria provided, single submitter. Criteria: Ambry Variant Classification Scheme 2023. Collection method: clinical testing. Allele origin: germline.

Fulgent Genetics
Classification: Uncertain significance for Hypercholesterolemia, autosomal dominant, type B; Familial hypobetalipoproteinemia 1. Last evaluated: 2021-09-28. Review status: criteria provided, single submitter. Criteria: ACMG Guidelines, 2015. Collection method: clinical testing. Allele origin: unknown.

Literature cited by the submitters: PubMed 37848354 (cited by Quest Diagnostics Nichols Institute San Juan Capistrano); PubMed 34495415 (cited by Quest Diagnostics Nichols Institute San Juan Capistrano).